The following is an entry in ClinVar:

NC_000017.11:g.80307128GATGTTCAG[3]

Gene: RNF213 (ring finger protein 213; plus strand). Cytogenetic location: 17q25.3.
Variant type: Microsatellite.
Genome position: GRCh38 VCF-style: chr17-80307125-T-TAGGATGTTC. GRCh37 (hg19) VCF-style: chr17-78280925-T-TAGGATGTTC.
Identifiers: ClinVar variation 4692744 (VCV004692744.1).
Genomic context (GRCh38, chr17:80,307,125, plus strand): 5'-AGCAATGACAGTGGCATTGTGATTCAATCTTTTGTCCTGTTTTTCTTTTTTTCTCTGCCT[T>TAGGATGTTC]AGGATGTTCAGGATGTTCAGAACGTTCAGAACATTTTAGAAATGCTGTTGCGACTCCTGG-3'

ClinVar aggregate classification (germline): Uncertain significance (1 of 4 stars; one submission).

Submission:

Labcorp Genetics (formerly Invitae), Labcorp
Classification: Uncertain significance. Last evaluated: 2025-03-27. Review status: criteria provided, single submitter. Criteria: Invitae Variant Classification Sherloc (09022015). Collection method: clinical testing. Allele origin: germline.
Comment: This variant, c.2437_2445dup, results in the insertion of 3 amino acid(s) of the RNF213 protein (p.Asp813_Gln815dup), but otherwise preserves the integrity of the reading frame. This variant is present in population databases (no rsID available, gnomAD 0.003%). This variant has not been reported in the literature in individuals affected with RNF213-related conditions. Algorithms developed to predict the effect of sequence changes on RNA splicing suggest that this variant may disrupt the consensus splice site. In summary, the available evidence is currently insufficient to determine the role of this variant in disease. Therefore, it has been classified as a Variant of Uncertain Significance.